The following is an entry in ClinVar:

NM_001077365.2(POMT1):c.59T>C (p.Val20Ala)

Gene: POMT1 (protein O-mannosyltransferase 1; plus strand). Cytogenetic location: 9q34.13.
Variant type: single nucleotide variant.
Coding change: c.59T>C on transcript NM_001077365.2 (MANE Select); coding-DNA position 59, T replaced by C.
Protein change: p.Val20Ala; replaces valine 20 with alanine.
Molecular consequence: missense variant. On other transcripts: 5 prime UTR variant (4), non-coding transcript variant (4), intron variant (9).
Genome position (GRCh38, 1-based): chr9:131,504,277, T>C. VCF-style: chr9-131504277-T-C. GRCh37 (hg19) VCF-style: chr9-134379664-T-C.
Other names: c.59T>C, p.Val20Ala (NM_001136113.2, NM_001353193.2, NM_001353196.2 and 2 more transcripts); c.-186T>C (NM_001353195.2); c.-413T>C (NM_001353198.2); c.-135T>C (NM_001374692.1); c.-93T>C (NM_001374695.1); c.-41+964T>C (NM_001353194.2); c.-72+964T>C (NM_001374691.1); c.-41+1204T>C (NM_001374689.1, NM_001353197.2, NM_001077366.2 and 1 more transcripts); and 2 more; short protein forms V20A.
Identifiers: ClinVar variation 2137593 (VCV002137593.1), dbSNP rs2539021020, ClinGen allele CA375305158.

ClinVar aggregate classification (germline): Uncertain significance (1 of 4 stars; one submission).

Conditions:
Muscular dystrophy-dystroglycanopathy (congenital with impaired intellectual development), type B, 1. Also called: Muscular dystrophy-dystroglycanopathy (congenital with intellectual disability), type B1; MUSCULAR DYSTROPHY, CONGENITAL, POMT1-RELATED. Identifiers: MedGen C5436962, MONDO:0013159, OMIM 613155.
Walker-Warburg congenital muscular dystrophy. Also called: Muscular dystrophy-dystroglycanopathy, type A; Walker-Warburg syndrome. Identifiers: Orphanet 899, MedGen C0265221, MONDO:0000171.
Autosomal recessive limb-girdle muscular dystrophy type 2K. Also called: MUSCULAR DYSTROPHY-DYSTROGLYCANOPATHY (LIMB-GIRDLE), TYPE C, 1; MUSCULAR DYSTROPHY, LIMB-GIRDLE, TYPE 2K. Identifiers: Orphanet 86812, MedGen C1836373, MONDO:0012248, OMIM 609308.

Submission:

Labcorp Genetics (formerly Invitae), Labcorp
Classification: Uncertain significance for Muscular dystrophy-dystroglycanopathy (congenital with impaired intellectual development), type B, 1; Walker-Warburg congenital muscular dystrophy; Autosomal recessive limb-girdle muscular dystrophy type 2K. Last evaluated: 2022-08-17. Review status: criteria provided, single submitter. Criteria: Invitae Variant Classification Sherloc (09022015). Collection method: clinical testing. Allele origin: germline.
Comment: This sequence change replaces valine, which is neutral and non-polar, with alanine, which is neutral and non-polar, at codon 20 of the POMT1 protein (p.Val20Ala). This variant is not present in population databases (gnomAD no frequency). This variant has not been reported in the literature in individuals affected with POMT1-related conditions. Algorithms developed to predict the effect of missense changes on protein structure and function are either unavailable or do not agree on the potential impact of this missense change (SIFT: "Tolerated"; PolyPhen-2: "Possibly Damaging"; Align-GVGD: "Class C0"). In summary, the available evidence is currently insufficient to determine the role of this variant in disease. Therefore, it has been classified as a Variant of Uncertain Significance.